The following is an entry in ClinVar:

NM_017934.7(PHIP):c.4853T>G (p.Val1618Gly)

Genes: IRAK1BP1 (interleukin 1 receptor associated kinase 1 binding protein 1; plus strand), PHIP (PHIP subunit of CUL4-Ring ligase complex; minus strand). Cytogenetic location: 6q14.1.
Variant type: single nucleotide variant.
Coding change: c.4853T>G on transcript NM_017934.7 (MANE Select); coding-DNA position 4853, T replaced by G.
Protein change: p.Val1618Gly; replaces valine 1618 with glycine.
Molecular consequence: missense variant.
Genome position (GRCh38, 1-based): chr6:78,941,306, A>C on the plus strand (T>G on the coding strand, the complement: PHIP is on the minus strand). VCF-style: chr6-78941306-A-C. GRCh37 (hg19) VCF-style: chr6-79651023-A-C.
Other names: c.4853T>G (NM_017934.6); short protein forms V1618G.
Identifiers: ClinVar variation 3707083 (VCV003707083.3).

ClinVar aggregate classification (germline): Uncertain significance. Review status: criteria provided, multiple submitters, no conflicts (2 of 4 stars). 2 submissions from 2 submitters: Uncertain significance (2). Last evaluated 2026-07-20.

Conditions:
PHIP-related disorder. Also called: PHIP-related disorders; PHIP-related condition.

gnomAD v4.1: 1 of 1,613,396 alleles (0.000062%); highest among the groups gnomAD compares: Admixed American, 0.0017%; no homozygotes.

Submissions (2):

PreventionGenetics, part of Exact Sciences
Classification: Uncertain significance for PHIP-related condition. Last evaluated: 2026-07-20. Review status: criteria provided, single submitter. Criteria: ACMG Guidelines, 2015. Collection method: clinical testing. Allele origin: germline.
Comment: The PHIP c.4853T>G variant is predicted to result in the amino acid substitution p.Val1618Gly. To our knowledge, this variant has not been reported in the literature. This variant is reported in 0.0029% of alleles in individuals of Latino descent in gnomAD. At this time, the clinical significance of this variant is uncertain due to the absence of conclusive functional and genetic evidence.

Labcorp Genetics (formerly Invitae), Labcorp
Classification: Uncertain significance. Last evaluated: 2024-05-23. Review status: criteria provided, single submitter. Criteria: Invitae Variant Classification Sherloc (09022015). Collection method: clinical testing. Allele origin: germline.
Comment: This sequence change replaces valine, which is neutral and non-polar, with glycine, which is neutral and non-polar, at codon 1618 of the PHIP protein (p.Val1618Gly). This variant is present in population databases (no rsID available, gnomAD no frequency). This variant has not been reported in the literature in individuals affected with PHIP-related conditions. Advanced modeling of protein sequence and biophysical properties (such as structural, functional, and spatial information, amino acid conservation, physicochemical variation, residue mobility, and thermodynamic stability) performed at Invitae indicates that this missense variant is not expected to disrupt PHIP protein function with a negative predictive value of 80%. In summary, the available evidence is currently insufficient to determine the role of this variant in disease. Therefore, it has been classified as a Variant of Uncertain Significance.